The following is an entry in ClinVar:

ClinVar aggregate classification (germline): Uncertain significance (1 of 4 stars; one submission).

Conditions:
Propionic acidemia (PROP). Also called: GLYCINEMIA, KETOTIC; HYPERGLYCINEMIA WITH KETOACIDOSIS AND LEUKOPENIA; KETOTIC HYPERGLYCINEMIA. Identifiers: Orphanet 35, MedGen C0268579, MONDO:0011628, OMIM 606054, HP:0003571.

gnomAD v4.1: 13 of 1,614,114 alleles (0.00081%); highest among the groups gnomAD compares: Non-Finnish European, 0.0011%; no homozygotes.

Submission:

Labcorp Genetics (formerly Invitae), Labcorp
Classification: Uncertain significance for Propionic acidemia. Last evaluated: 2023-11-15. Review status: criteria provided, single submitter. Criteria: Invitae Variant Classification Sherloc (09022015). Collection method: clinical testing. Allele origin: germline.
Comment: This sequence change replaces isoleucine, which is neutral and non-polar, with asparagine, which is neutral and polar, at codon 537 of the PCCB protein (p.Ile537Asn). This variant is present in population databases (rs759733016, gnomAD 0.002%). This variant has not been reported in the literature in individuals affected with PCCB-related conditions. ClinVar contains an entry for this variant (Variation ID: 1431506). Advanced modeling of protein sequence and biophysical properties (such as structural, functional, and spatial information, amino acid conservation, physicochemical variation, residue mobility, and thermodynamic stability) has been performed at Invitae for this missense variant, however the output from this modeling did not meet the statistical confidence thresholds required to predict the impact of this variant on PCCB protein function. In summary, the available evidence is currently insufficient to determine the role of this variant in disease. Therefore, it has been classified as a Variant of Uncertain Significance.

NM_000532.5(PCCB):c.1610T>A (p.Ile537Asn)

Gene: PCCB (propionyl-CoA carboxylase subunit beta; plus strand). Cytogenetic location: 3q22.3.
Variant type: single nucleotide variant.
Coding change: c.1610T>A on transcript NM_000532.5 (MANE Select); coding-DNA position 1610, T replaced by A.
Protein change: p.Ile537Asn; replaces isoleucine 537 with asparagine.
Molecular consequence: missense variant.
Genome position (GRCh38, 1-based): chr3:136,330,016, T>A. VCF-style: chr3-136330016-T-A. GRCh37 (hg19) VCF-style: chr3-136048858-T-A.
Other names: c.1670T>A, p.Ile557Asn (NM_001178014.2); short protein forms I557N, I537N.
Identifiers: ClinVar variation 1431506 (VCV001431506.8), dbSNP rs759733016, ClinGen allele CA2632245.